The following is an entry in ClinVar:

NM_145861.4(EDARADD):c.404C>T (p.Thr135Met)

Gene: EDARADD (EDAR associated via death domain; plus strand). Cytogenetic location: 1q43.
Variant type: single nucleotide variant.
Coding change: c.404C>T on transcript NM_145861.4 (MANE Select); coding-DNA position 404, C replaced by T.
Protein change: p.Thr135Met; replaces threonine 135 with methionine.
Molecular consequence: missense variant.
Genome position (GRCh38, 1-based): chr1:236,482,405, C>T. VCF-style: chr1-236482405-C-T. GRCh37 (hg19) VCF-style: chr1-236645705-C-T.
Other names: c.338C>T, p.Thr113Met (NM_001422628.1); c.374C>T, p.Thr125Met (NM_080738.5); short protein forms T125M, T135M, T113M.
Identifiers: ClinVar variation 2945599 (VCV002945599.3), dbSNP rs769122607, ClinGen allele CA1470078.

ClinVar aggregate classification (germline): Uncertain significance (1 of 4 stars; one submission).

Conditions:
Ectodermal dysplasia 11A, hypohidrotic/hair/tooth type, autosomal dominant. Identifiers: Orphanet 1810, Orphanet 238468, MedGen C3541517, MONDO:0013982, OMIM 614940.
Ectodermal dysplasia 11B, hypohidrotic/hair/tooth type, autosomal recessive. Identifiers: Orphanet 238468, Orphanet 248, MedGen C3539920, MONDO:0013983, OMIM 614941.

Allele frequency attached by ClinVar (database versions not stated): ExAC 0.00001; gnomAD 0.00001; gnomAD exomes 0.00001; TOPMed 0.00001.
gnomAD v4.1: 11 of 1,614,030 alleles (0.00068%); highest among the groups gnomAD compares: East Asian, 0.0022%; no homozygotes.

Submission:

Labcorp Genetics (formerly Invitae), Labcorp
Classification: Uncertain significance for Ectodermal dysplasia 11B, hypohidrotic/hair/tooth type, autosomal recessive; Ectodermal dysplasia 11A, hypohidrotic/hair/tooth type, autosomal dominant. Last evaluated: 2023-10-10. Review status: criteria provided, single submitter. Criteria: Invitae Variant Classification Sherloc (09022015). Collection method: clinical testing. Allele origin: germline.
Comment: This sequence change replaces threonine, which is neutral and polar, with methionine, which is neutral and non-polar, at codon 135 of the EDARADD protein (p.Thr135Met). This variant is present in population databases (rs769122607, gnomAD 0.002%). This missense change has been observed in individual(s) with clinical features of autosomal recessive ectodermal dysplasia (Invitae). An algorithm developed to predict the effect of missense changes on protein structure and function (PolyPhen-2) suggests that this variant is likely to be disruptive. This variant disrupts a region of the EDARADD protein in which other variant(s) (p.Glu142Lys) have been observed in individuals with EDARADD-related conditions (PMID: 11780064). This suggests that this is a clinically significant region of the protein, and that variants that disrupt it are likely to be disease-causing. In summary, the available evidence is currently insufficient to determine the role of this variant in disease. Therefore, it has been classified as a Variant of Uncertain Significance.

Literature cited by the submitters: PubMed 11780064.